The following is an entry in ClinVar:

NM_053025.4(MYLK):c.1223A>G (p.Gln408Arg)

Gene: MYLK (myosin light chain kinase; minus strand). Cytogenetic location: 3q21.1.
Variant type: single nucleotide variant.
Coding change: c.1223A>G on transcript NM_053025.4 (MANE Select); coding-DNA position 1223, A replaced by G.
Protein change: p.Gln408Arg; replaces glutamine 408 with arginine.
Molecular consequence: missense variant.
Genome position (GRCh38, 1-based): chr3:123,733,773, T>C on the plus strand (A>G on the coding strand, the complement: MYLK is on the minus strand). VCF-style: chr3-123733773-T-C. GRCh37 (hg19) VCF-style: chr3-123452620-T-C.
Other names: c.695A>G, p.Gln232Arg (NM_001321309.2); c.1223A>G, p.Gln408Arg (NM_053026.4, NM_053027.4, NM_053028.4); short protein forms Q232R, Q408R.
Identifiers: ClinVar variation 1753581 (VCV001753581.3), dbSNP rs2062573906, ClinGen allele CA354239083.
Genomic context (GRCh38, chr3:123,733,773, plus strand): 5'-TTTTCCTTGACCTCCTGGCTTTGGGGCTTGCTCTCAAATTTGGGGAATGCTGAATCCCTC[T>C]GGCCCTCCATGGGGATTCTCCTGTTAGCAGCCTTGCTCACAACATCTTGGCTCCCCAGGC-3'
Protein context (NP_444253.3, residues 398-418): AANRRIPMEG[Gln408Arg]RDSAFPKFES

ClinVar aggregate classification (germline): Uncertain significance. Review status: criteria provided, multiple submitters, no conflicts (2 of 4 stars). 2 submissions from 2 submitters: Uncertain significance (2). Last evaluated 2025-12-23.

Conditions:
Aortic aneurysm, familial thoracic 7 (AAT7). Also called: AORTIC DISSECTION, FAMILIAL, WITH OR WITHOUT AORTIC ANEURYSM. Identifiers: MedGen C3151077, MONDO:0013418, OMIM 613780.
Familial thoracic aortic aneurysm and aortic dissection (TAAD). Also called: Thoracic aortic aneurysms and dissections. Identifiers: Orphanet 91387, MedGen C4707243, MONDO:0019625.

Allele frequency attached by ClinVar (database versions not stated): gnomAD exomes below 0.00001; gnomAD 0.00001; TOPMed 0.00001.
gnomAD v4.1: 2 of 1,614,118 alleles (0.00012%); highest among the groups gnomAD compares: Admixed American, 0.0017%; no homozygotes.

Submissions (2):

Labcorp Genetics (formerly Invitae), Labcorp
Classification: Uncertain significance for Aortic aneurysm, familial thoracic 7. Last evaluated: 2025-12-23. Review status: criteria provided, single submitter. Criteria: Invitae Variant Classification Sherloc (09022015). Collection method: clinical testing. Allele origin: germline.
Comment: This sequence change replaces glutamine, which is neutral and polar, with arginine, which is basic and polar, at codon 408 of the MYLK protein (p.Gln408Arg). This variant is not present in population databases (gnomAD no frequency). This variant has not been reported in the literature in individuals affected with MYLK-related conditions. ClinVar contains an entry for this variant (Variation ID: 1753581). Invitae Evidence Modeling of protein sequence and biophysical properties (such as structural, functional, and spatial information, amino acid conservation, physicochemical variation, residue mobility, and thermodynamic stability) indicates that this missense variant is not expected to disrupt MYLK protein function with a negative predictive value of 95%. In summary, the available evidence is currently insufficient to determine the role of this variant in disease. Therefore, it has been classified as a Variant of Uncertain Significance.

Ambry Genetics
Classification: Uncertain significance for Familial thoracic aortic aneurysm and aortic dissection. Last evaluated: 2022-01-17. Review status: criteria provided, single submitter. Criteria: Ambry Variant Classification Scheme 2023. Collection method: clinical testing. Allele origin: germline.
Comment: The p.Q408R variant (also known as c.1223A>G), located in coding exon 7 of the MYLK gene, results from an A to G substitution at nucleotide position 1223. The glutamine at codon 408 is replaced by arginine, an amino acid with highly similar properties. This amino acid position is conserved. In addition, this alteration is predicted to be tolerated by in silico analysis. Since supporting evidence is limited at this time, the clinical significance of this alteration remains unclear.